The following is an entry in ClinVar:

NM_001134363.3(RBM20):c.2390A>T (p.His797Leu)

Gene: RBM20 (RNA binding motif protein 20; plus strand). Cytogenetic location: 10q25.2.
Variant type: single nucleotide variant.
Coding change: c.2390A>T on transcript NM_001134363.3 (MANE Select); coding-DNA position 2390, A replaced by T.
Protein change: p.His797Leu; replaces histidine 797 with leucine.
Molecular consequence: missense variant.
Genome position (GRCh38, 1-based): chr10:110,812,787, A>T. VCF-style: chr10-110812787-A-T. GRCh37 (hg19) VCF-style: chr10-112572545-A-T.
Other names: short protein forms H797L.
Identifiers: ClinVar variation 2574029 (VCV002574029.3), dbSNP rs1844791105, ClinGen allele CA378373715.
Genomic context (GRCh38, chr10:110,812,787, plus strand): 5'-ATGCCCCCGGGAGGTCCAGGAGGAAAGACGAGGCCAGGCTGCGGGAAAGCAGACACCCCC[A>T]TCCGGATGACTCAGGCAAGGAAGATGGGCTGGGGCCAAAGGTCACTAGGGCCCCTGAGGG-3'
Protein context (NP_001127835.2, residues 787-807): EARLRESRHP[His797Leu]PDDSGKEDGL

ClinVar aggregate classification (germline): Uncertain significance (1 of 4 stars; one submission).

Conditions:
Long QT syndrome (LQTS). Identifiers: MedGen C0023976, MeSH D008133, MONDO:0002442. Disease mechanism: loss of function. Inheritance: Various modes of inheritance.

Submission:

Dept of Medical Biology, Uskudar University
Classification: Uncertain significance for Long QT syndrome. Last evaluated: 2024-01-08. Review status: criteria provided, single submitter. Criteria: Dept of Medical Biology Variant Classification. Collection method: research. Allele origin: maternal. Affected: yes. Observed: 1 variant allele.
Comment: Criteria: PM2, BP4